The following is an entry in ClinVar:

ClinVar aggregate classification (germline): Uncertain significance (1 of 4 stars; one submission).

Conditions:
Catecholaminergic polymorphic ventricular tachycardia (CVPT). Also called: Catecholamine-induced polymorphic ventricular tachycardia. Identifiers: Orphanet 3286, MedGen C5574922, MONDO:0017990.

Submission:

All of Us Research Program, National Institutes of Health
Classification: Uncertain significance for Catecholaminergic polymorphic ventricular tachycardia. Last evaluated: 2023-12-01. Review status: criteria provided, single submitter. Criteria: ACMG Guidelines, 2015. Collection method: clinical testing. Allele origin: germline. Inheritance: Autosomal dominant inheritance. Observed: 1 variant allele, 1 heterozygote.
Comment: This study involves interpretation of variants in research participants for the purpose of population health screening. Participant phenotype was not available at the time of variant classification. Additional details can be found in publication PMID: 35346344, PMCID: PMC8962531

NM_001035.3(RYR2):c.4772T>G (p.Leu1591Arg)

Gene: RYR2 (ryanodine receptor 2; plus strand). Cytogenetic location: 1q43.
Variant type: single nucleotide variant.
Coding change: c.4772T>G on transcript NM_001035.3 (MANE Select); coding-DNA position 4772, T replaced by G.
Protein change: p.Leu1591Arg; replaces leucine 1591 with arginine.
Molecular consequence: missense variant.
Genome position (GRCh38, 1-based): chr1:237,610,850, T>G. VCF-style: chr1-237610850-T-G. GRCh37 (hg19) VCF-style: chr1-237774150-T-G.
Other names: short protein forms L1591R.
Identifiers: ClinVar variation 3074248 (VCV003074248.1), dbSNP rs2546766708, ClinGen allele CA345402488.